The following is an entry in ClinVar:

NM_032638.5(GATA2):c.674G>T (p.Ser225Ile)

Gene: GATA2 (GATA binding protein 2; minus strand). Cytogenetic location: 3q21.3.
Variant type: single nucleotide variant.
Coding change: c.674G>T on transcript NM_032638.5 (MANE Select); coding-DNA position 674, G replaced by T.
Protein change: p.Ser225Ile; replaces serine 225 with isoleucine.
Molecular consequence: missense variant.
Genome position (GRCh38, 1-based): chr3:128,485,924, C>A on the plus strand (G>T on the coding strand, the complement: GATA2 is on the minus strand). VCF-style: chr3-128485924-C-A. GRCh37 (hg19) VCF-style: chr3-128204767-C-A.
Other names: c.674G>T, p.Ser225Ile (NM_001145661.2, NM_001145662.1); c.674G>T (NM_032638.4); short protein forms S225I.
Identifiers: ClinVar variation 1036926 (VCV001036926.9), dbSNP rs146116228, ClinGen allele CA354406272.
Genomic context (GRCh38, chr3:128,485,924, plus strand): 5'-GGGTGGTGTGTAGCAGGCTGGGTGCCCATAGTAGCTAGGCCTGGGCGCAGGGGACTGCCA[C>A]TTTCCATCTTCATGCTCTCCGTCAGTGACACCTGGTACTTGACGCCGTCCTTGTCCTCTC-3'
Protein context (NP_116027.2, residues 215-235): VSLTESMKME[Ser225Ile]GSPLRPGLAT

ClinVar aggregate classification (germline): Uncertain significance. Review status: criteria provided, multiple submitters, no conflicts (2 of 4 stars). 2 submissions from 2 submitters: Uncertain significance (2). Last evaluated 2025-07-14.

Conditions:
Inborn genetic diseases. Identifiers: MedGen C0950123, MeSH D030342.
Deafness-lymphedema-leukemia syndrome. Also called: Emberger syndrome; Lymphedema, primary, with myelodysplasia. Identifiers: Orphanet 3226, MedGen C3279664, MONDO:0013540, OMIM 614038.
Monocytopenia with susceptibility to infections. Also called: IMMUNODEFICIENCY 21; GATA2 DEFICIENCY; MONOCYTOPENIA AND MYCOBACTERIAL INFECTION SYNDROME; MONOCYTOPENIA WITH SUSCEPTIBILITY TO MYCOBACTERIAL, FUNGAL, AND PAPILLOMAVIRUS INFECTIONS AND MYELODYSPLASIA; COMBINED IMMUNODEFICIENCY WITH SUSCEPTIBILITY TO MYCOBACTERIAL, VIRAL, AND FUNGAL INFECTIONS; Dendritic cell, monocyte, B lymphocyte, and natural killer lymphocyte deficiency. Identifiers: Orphanet 228423, MedGen C3280030, MONDO:0013607, OMIM 614172.

Submissions (2):

Ambry Genetics
Classification: Uncertain significance for Inborn genetic diseases. Last evaluated: 2025-07-14. Review status: criteria provided, single submitter. Criteria: Ambry Variant Classification Scheme 2023. Collection method: clinical testing. Allele origin: germline.
Comment: The p.S225I variant (also known as c.674G>T), located in coding exon 2 of the GATA2 gene, results from a G to T substitution at nucleotide position 674. The serine at codon 225 is replaced by isoleucine, an amino acid with dissimilar properties. This amino acid position is conserved. In addition, the in silico prediction for this alteration is inconclusive. Based on the available evidence, the clinical significance of this variant remains unclear.

Labcorp Genetics (formerly Invitae), Labcorp
Classification: Uncertain significance for Monocytopenia with susceptibility to infections; Deafness-lymphedema-leukemia syndrome. Last evaluated: 2020-06-08. Review status: criteria provided, single submitter. Criteria: Invitae Variant Classification Sherloc (09022015). Collection method: clinical testing. Allele origin: germline.
Comment: Algorithms developed to predict the effect of missense changes on protein structure and function (SIFT, PolyPhen-2, Align-GVGD) all suggest that this variant is likely to be tolerated, but these predictions have not been confirmed by published functional studies and their clinical significance is uncertain. This sequence change replaces serine with isoleucine at codon 225 of the GATA2 protein (p.Ser225Ile). The serine residue is moderately conserved and there is a large physicochemical difference between serine and isoleucine. This variant is not present in population databases (ExAC no frequency). This variant has not been reported in the literature in individuals with GATA2-related conditions. In summary, the available evidence is currently insufficient to determine the role of this variant in disease. Therefore, it has been classified as a Variant of Uncertain Significance.